The following is an entry in ClinVar:

ClinVar aggregate classification (germline): Likely pathogenic (1 of 4 stars; one submission).

Conditions:
Intellectual developmental disorder with microcephaly and with or without ocular malformations or hypogonadotropic hypogonadism. Also called: Intellectual disability, autosomal dominant 27; Coffin-Siris Syndrome 9. Identifiers: Orphanet 1465, MedGen C4014528, MONDO:0014376, OMIM 615866.

Submission:

SIB Swiss Institute of Bioinformatics
Classification: Likely pathogenic for Intellectual developmental disorder with microcephaly and with or without ocular malformations or hypogonadotropic hypogonadism. Last evaluated: 2023-03-09. Review status: criteria provided, single submitter. Criteria: ACMG Guidelines, 2015. Collection method: curation. Allele origin: unknown.
Comment: This variant is interpreted as likely pathogenic for Intellectual developmental disorder with microcephaly and with or without ocular malformations or hypogonadotropic hypogonadism, autosomal dominant. The following ACMG Tag(s) were applied: Absent from controls (or at extremely low frequency if recessive) in Exome Sequencing Project, 1000 Genomes Project, or Exome Aggregation Consortium (PM2); De novo paternity and maternity not confirmed (PM6); Located in a mutational hot spot and/or critical and well-established functional domain (e.g., active site of an enzyme) without benign variation (PM1); Multiple lines of computational evidence support a deleterious effect on the gene or gene product (PP3).

Literature cited by the submitters: PubMed 35341651.

NM_003108.4(SOX11):c.223C>G (p.His75Asp)

Gene: SOX11 (SRY-box transcription factor 11; plus strand). Cytogenetic location: 2p25.2.
Variant type: single nucleotide variant.
Coding change: c.223C>G on transcript NM_003108.4 (MANE Select); coding-DNA position 223, C replaced by G.
Protein change: p.His75Asp; replaces histidine 75 with aspartic acid.
Molecular consequence: missense variant.
Genome position (GRCh38, 1-based): chr2:5,692,944, C>G. VCF-style: chr2-5692944-C-G. GRCh37 (hg19) VCF-style: chr2-5833076-C-G.
Other names: short protein forms H75D.
Identifiers: ClinVar variation 2443016 (VCV002443016.1), dbSNP rs2465087446, ClinGen allele CA345866225.